The following is an entry in ClinVar:

ClinVar aggregate classification (germline): Conflicting classifications of pathogenicity. Review status: criteria provided, conflicting classifications (1 of 4 stars). 2 submissions from 2 submitters: Uncertain significance (1); Likely benign (1). Last evaluated 2023-05-09.

Conditions:
Cardiomyopathy (CMYO). Also called: Cardiomyopathies. Identifiers: Orphanet 167848, MedGen C0878544, MONDO:0004994, HP:0001638. Inheritance: Various modes of inheritance.

Allele frequency attached by ClinVar (database versions not stated): gnomAD below 0.00001 and 0.00003; TOPMed 0.00001; gnomAD exomes 0.00003 and 0.00008; ExAC 0.00008; 1000 Genomes Project 0.00020; ESP Exome Variant Server 0.00008; 1000 Genomes Project 30x 0.00016.
gnomAD v4.1: 57 of 1,614,068 alleles (0.0035%); highest among the groups gnomAD compares: South Asian, 0.056%; no homozygotes.

Submissions (2):

CHEO Genetics Diagnostic Laboratory, Children's Hospital of Eastern Ontario
Classification: Likely benign for Cardiomyopathy. Last evaluated: 2023-05-09. Review status: criteria provided, single submitter. Criteria: ACMG Guidelines, 2015. Collection method: clinical testing. Allele origin: germline.

CeGaT Center for Human Genetics Tuebingen
Classification: Uncertain significance. Last evaluated: 2023-03-01. Review status: criteria provided, single submitter. Criteria: CeGaT Center For Human Genetics Tuebingen Variant Classification Criteria Version 2. Collection method: clinical testing. Allele origin: germline. Affected: yes. Observed: 1 variant allele.
Comment: TTN: PM2, BP4

NM_001267550.2(TTN):c.9568G>T (p.Val3190Phe)

Gene: TTN (titin; minus strand). Cytogenetic location: 2q31.2.
Variant type: single nucleotide variant.
Coding change: c.9568G>T on transcript NM_001267550.2 (MANE Select); coding-DNA position 9568, G replaced by T.
Protein change: p.Val3190Phe; replaces valine 3190 with phenylalanine.
Molecular consequence: missense variant.
Genome position (GRCh38, 1-based): chr2:178,766,516, C>A on the plus strand (G>T on the coding strand, the complement: TTN is on the minus strand). VCF-style: chr2-178766516-C-A. GRCh37 (hg19) VCF-style: chr2-179631243-C-A.
Other names: c.9568G>T, p.Val3190Phe (NM_001256850.1, NM_133378.4, NM_133379.5); c.9430G>T, p.Val3144Phe (NM_003319.4, NM_133432.3, NM_133437.4); short protein forms V3190F, V3144F.
Identifiers: ClinVar variation 915754 (VCV000915754.27), dbSNP rs370856494, ClinGen allele CA2004289.